The following is an entry in ClinVar:

ClinVar aggregate classification (germline): Uncertain significance (1 of 4 stars; one submission).

Conditions:
Inborn genetic diseases. Identifiers: MedGen C0950123, MeSH D030342.

Allele frequency attached by ClinVar (database versions not stated): gnomAD exomes below 0.00001; ExAC 0.00001.
gnomAD v4.1: 2 of 1,611,986 alleles (0.00012%); highest among the groups gnomAD compares: Non-Finnish European, 0.00017%; no homozygotes.

Submission:

Ambry Genetics
Classification: Uncertain significance for Inborn genetic diseases. Last evaluated: 2022-11-24. Review status: criteria provided, single submitter. Criteria: Ambry Variant Classification Scheme 2023. Collection method: clinical testing. Allele origin: germline.
Comment: The p.S423P variant (also known as c.1267T>C), located in coding exon 11 of the LRRK2 gene, results from a T to C substitution at nucleotide position 1267. The serine at codon 423 is replaced by proline, an amino acid with similar properties. This amino acid position is conserved. In addition, the in silico prediction for this alteration is inconclusive. Since supporting evidence is limited at this time, the clinical significance of this alteration remains unclear.

NM_198578.4(LRRK2):c.1267T>C (p.Ser423Pro)

Gene: LRRK2 (leucine rich repeat kinase 2; plus strand). Cytogenetic location: 12q12.
Variant type: single nucleotide variant.
Coding change: c.1267T>C on transcript NM_198578.4 (MANE Select); coding-DNA position 1267, T replaced by C.
Protein change: p.Ser423Pro; replaces serine 423 with proline.
Molecular consequence: missense variant.
Genome position (GRCh38, 1-based): chr12:40,252,995, T>C. VCF-style: chr12-40252995-T-C. GRCh37 (hg19) VCF-style: chr12-40646797-T-C.
Other names: short protein forms S423P.
Identifiers: ClinVar variation 2447280 (VCV002447280.2), dbSNP rs767225630, ClinGen allele CA6513325.